The following is an entry in ClinVar:

ClinVar aggregate classification (germline): Uncertain significance (1 of 4 stars; one submission).

Submission:

Labcorp Genetics (formerly Invitae), Labcorp
Classification: Uncertain significance. Last evaluated: 2025-12-25. Review status: criteria provided, single submitter. Criteria: Invitae Variant Classification Sherloc (09022015). Collection method: clinical testing. Allele origin: germline.
Comment: This variant, c.1471_1494del, results in the deletion of 8 amino acid(s) of the KRT10 protein (p.His491_Gly498del), but otherwise preserves the integrity of the reading frame. This variant is present in population databases (rs779118445, gnomAD 0.04%). This variant has not been reported in the literature in individuals affected with KRT10-related conditions. In summary, the available evidence is currently insufficient to determine the role of this variant in disease. Therefore, it has been classified as a Variant of Uncertain Significance.

NM_000421.5(KRT10):c.1471_1494del (p.His491_Gly498del)

Gene: KRT10 (keratin 10; minus strand). Cytogenetic location: 17q21.2.
Variant type: Deletion.
Coding change: c.1471_1494del on transcript NM_000421.5 (MANE Select); coding-DNA positions 1471 to 1494, 24 bases deleted (CACGGCGGCAGTTCCGGCGGCGGC).
Protein change: p.His491_Gly498del.
Molecular consequence: inframe deletion.
Genome position (GRCh38, 1-based): chr17:40,819,041-40,819,064, GCCGCCGCCGGAACTGCCGCCGTG deleted on the plus strand (CACGGCGGCAGTTCCGGCGGCGGC on the coding strand, the reverse complement: KRT10 is on the minus strand); deleting any 24 consecutive bases within chr17:40,819,041-40,819,074 gives the same sequence; the c. name uses the placement nearest the transcript's 3' end. VCF-style (leftmost placement, unchanged base first): chr17-40819040-AGCCGCCGCCGGAACTGCCGCCGTG-A. GRCh37 (hg19) VCF-style: chr17-38975292-AGCCGCCGCCGGAACTGCCGCCGTG-A.
Other names: c.1471_1494del, p.His491_Gly498del (NM_001379366.1).
Identifiers: ClinVar variation 4753165 (VCV004753165.1).